The following is an entry in ClinVar:

NM_000051.4(ATM):c.7489G>A (p.Val2497Ile)

Genes: ATM (ATM serine/threonine kinase; plus strand), C11orf65 (chromosome 11 open reading frame 65; minus strand). Cytogenetic location: 11q22.3.
Variant type: single nucleotide variant.
Coding change: c.7489G>A on transcript NM_000051.4 (MANE Select); coding-DNA position 7489, G replaced by A.
Protein change: p.Val2497Ile; replaces valine 2497 with isoleucine.
Molecular consequence: missense variant. On other transcripts: intron variant (2).
Genome position (GRCh38, 1-based): chr11:108,330,395, G>A. VCF-style: chr11-108330395-G-A. GRCh37 (hg19) VCF-style: chr11-108201122-G-A.
Other names: c.7489G>A, p.Val2497Ile (NM_001351834.2); c.641-21324C>T (NM_001330368.2); c.*38+4825C>T (NM_001351110.2); short protein forms V2497I.
Identifiers: ClinVar variation 1759131 (VCV001759131.2), dbSNP rs2136462879, ClinGen allele CA382560516.

ClinVar aggregate classification (germline): Uncertain significance (1 of 4 stars; one submission).

Conditions:
Hereditary cancer-predisposing syndrome. Also called: Hereditary neoplastic syndrome; Neoplastic Syndromes, Hereditary; Tumor predisposition; Hereditary Cancer Syndrome. Identifiers: Orphanet 140162, MedGen C0027672, MeSH D009386, MONDO:0015356.

Submission:

Ambry Genetics
Classification: Uncertain significance for Hereditary cancer-predisposing syndrome. Last evaluated: 2019-10-29. Review status: criteria provided, single submitter. Criteria: Ambry Variant Classification Scheme 2023. Collection method: clinical testing. Allele origin: germline.
Comment: The p.V2497I variant (also known as c.7489G>A), located in coding exon 49 of the ATM gene, results from a G to A substitution at nucleotide position 7489. The valine at codon 2497 is replaced by isoleucine, an amino acid with highly similar properties. This amino acid position is well conserved in available vertebrate species. In addition, this alteration is predicted to be tolerated by in silico analysis. Since supporting evidence is limited at this time, the clinical significance of this alteration remains unclear.